The following is an entry in ClinVar:

ClinVar aggregate classification (germline): Pathogenic (1 of 4 stars; one submission).

Conditions:
Multiple sulfatase deficiency (MSD). Also called: Mucosulfatidosis; Multiple Sulfatase Deficiency Disease; Sulfatidosis, Juvenile, Austin Type. Identifiers: Orphanet 585, MedGen C0268263, MONDO:0010088, OMIM 272200.

Submission:

Myriad Genetics, Inc.
Classification: Pathogenic for Multiple sulfatase deficiency. Last evaluated: 2023-09-27. Review status: criteria provided, single submitter. Criteria: Myriad Autosomal Dominant, Autosomal Recessive and X-Linked Classification Criteria (2023). Collection method: clinical testing. Allele origin: unknown.
Comment: NM_182760.3(SUMF1):c.233dupG(V80Rfs*26) is expected to be pathogenic in the context of multiple sulfatase deficiency. This variant is predicted to lead to an abnormal or absent protein product due to the creation of a premature termination codon in SUMF1, a gene where loss-of-function variants are known to be pathogenic. Please note: this variant was assessed in the context of healthy population screening.

NM_182760.4(SUMF1):c.233dup (p.Val80fs)

Genes: SUMF1 (sulfatase modifying factor 1; minus strand), LOC129936056 (ATAC-STARR-seq lymphoblastoid silent region 14016; plus strand). Cytogenetic location: 3p26.1.
Variant type: Duplication.
Coding change: c.233dup on transcript NM_182760.4 (MANE Select); coding-DNA position 233, one base duplicated (G; older notation c.233dupG).
Protein change: p.Val80fs; shifts the reading frame from valine 80.
Molecular consequence: frameshift variant.
Genome position (GRCh38, 1-based): chr3:4,467,013, C duplicated on the plus strand (G on the coding strand, the reverse complement: SUMF1 is on the minus strand); the first of 3 consecutive C bases (chr3:4,467,013-4,467,015); duplicating any one gives the same sequence. VCF-style (leftmost placement, unchanged base first): chr3-4467012-G-GC. GRCh37 (hg19) VCF-style: chr3-4508696-G-GC.
Other names: c.233dup, p.Val80fs (NM_001164674.2, NM_001164675.2); short protein forms V80fs.
Identifiers: ClinVar variation 5012111 (VCV005012111.1).
Genomic context (GRCh38, chr3:4,467,012, plus strand): 5'-GCCTCGGAGGAATCGATGGAGCACCTTTGAGTGCGCGAGTTGCCGCTCTCCGGGTACGGG[G>GC]CCCGGAGCGTTAGCCTCCCGCGAGTATCGGTGAGCGGCTGCCGAACTGCCATGGGCGCCA-3'